The following is an entry in ClinVar:

ClinVar aggregate classification (germline): Benign (3 of 4 stars; one submission).

Conditions:
Breast-ovarian cancer, familial, susceptibility to, 2 (BROVCA2). Also called: BRCA2 Hereditary Breast and Ovarian Cancer. Identifiers: Orphanet 145, MedGen C2675520, MONDO:0012933, OMIM 612555. Disease mechanism: loss of function.

Allele frequency attached by ClinVar (database versions not stated): TOPMed 0.18145; gnomAD 0.18522 and 0.18959; 1000 Genomes Project 30x 0.19019; 1000 Genomes Project 0.19748.
gnomAD v4.1: 28,785 of 151,982 alleles (19%); highest among the groups gnomAD compares: East Asian, 39%; 3,030 homozygotes.

Submission:

Evidence-based Network for the Interpretation of Germline Mutant Alleles (ENIGMA)
Classification: Benign for Breast-ovarian cancer, familial 2. Last evaluated: 2015-01-12. Review status: reviewed by expert panel. Criteria: ENIGMA BRCA1/2 Classification Criteria (2015). Collection method: curation. Allele origin: germline.
Comment: Class 1 not pathogenic based on frequency >1% in an outbred sampleset. Frequency 0.3811 (Asian), 0.04268 (African), 0.2177 (European), derived from 1000 genomes (2012-04-30).

NM_000059.4(BRCA2):c.8632+1568G>A

Gene: BRCA2 (BRCA2 DNA repair associated; plus strand). Cytogenetic location: 13q13.1.
Variant type: single nucleotide variant.
Coding change: c.8632+1568G>A on transcript NM_000059.4 (MANE Select); 1568 bases into the intron after coding-DNA position 8632, G replaced by A.
Molecular consequence: intron variant.
Genome position (GRCh38, 1-based): chr13:32,372,668, G>A. VCF-style: chr13-32372668-G-A. GRCh37 (hg19) VCF-style: chr13-32946805-G-A.
Other names: IVS 20+1568G>A.
Identifiers: ClinVar variation 209825 (VCV000209825.1), dbSNP rs61946969, ClinGen allele CA276793.
Genomic context (GRCh38, chr13:32,372,668, plus strand): 5'-GGTCTCTCCCTCAACACATGGGGATTACAATTTGAGATGAGATTTGGGTAGGGACACAGA[G>A]CCAAACCATATCATTCTGCCCTGGACCCTCCCAAATCTCGTGTCCTTTTCACATTTCAAA-3'